The following is an entry in ClinVar:

NM_007294.3(BRCA1):c.(?_-1)_5074+?del

Genes: BRCA1 (BRCA1 DNA repair associated; minus strand), LOC126862571 (BRD4-independent group 4 enhancer GRCh37_chr17:41243136-41244335; plus strand), LOC110485084 (BRCA1 intronic recombination region; plus strand), LOC111589216 (BRCA1 intron 2 regulatory region; plus strand). Cytogenetic location: 17q21.31.
Variant type: Deletion.
Other names: c.(?_-1)_5074+?del (LRG_292t1).
Identifiers: ClinVar variation 216100 (VCV000216100.1).

ClinVar aggregate classification (germline): Pathogenic (1 of 4 stars; one submission).

Conditions:
Hereditary breast ovarian cancer syndrome. Also called: Hereditary breast and/or ovarian cancer syndrome; Breast and ovarian cancer; BRCA1- and BRCA2-Associated Hereditary Breast and Ovarian Cancer; Hereditary breast and ovarian cancer syndrome; Hereditary breast and ovarian cancer syndrome (HBOC); Hereditary breast and ovarian cancer. Identifiers: Orphanet 145, MedGen C0677776, MeSH D061325, MONDO:0003582. Disease mechanism: loss of function.

Submission:

Labcorp Genetics (formerly Invitae), Labcorp
Classification: Pathogenic for BRCA1 and BRCA2 Hereditary Breast and Ovarian Cancer. Last evaluated: 2015-02-11. Review status: criteria provided, single submitter. Criteria: Invitae Variant Classification Sherloc (09022015). Collection method: clinical testing. Allele origin: germline.
Comment: This sequence change is a gross deletion of the genomic region encompassing exons 1-16 of the BRCA1 gene. This deletion extends to the edge of the assayed region, and the boundaries of this event is not known. While this particular variant has not been reported in the literature, truncating variants caused by gross deletions in BRCA1 are known to be pathogenic (PMID:16551709, 20616022, 19894111, 20135348, 18330910). For these reasons, this variant has been classified as Pathogenic.